The following is an entry in ClinVar:

NM_013275.6(ANKRD11):c.4174T>C (p.Tyr1392His)

Gene: ANKRD11 (ankyrin repeat domain 11; minus strand). Cytogenetic location: 16q24.3.
Variant type: single nucleotide variant.
Coding change: c.4174T>C on transcript NM_013275.6 (MANE Select); coding-DNA position 4174, T replaced by C.
Protein change: p.Tyr1392His; replaces tyrosine 1392 with histidine.
Molecular consequence: missense variant.
Genome position (GRCh38, 1-based): chr16:89,282,368, A>G on the plus strand (T>C on the coding strand, the complement: ANKRD11 is on the minus strand). VCF-style: chr16-89282368-A-G. GRCh37 (hg19) VCF-style: chr16-89348776-A-G.
Other names: c.4174T>C, p.Tyr1392His (NM_001256182.2, NM_001256183.2); short protein forms Y1392H.
Identifiers: ClinVar variation 1433893 (VCV001433893.6), dbSNP rs2151751255, ClinGen allele CA397158148.

ClinVar aggregate classification (germline): Uncertain significance (1 of 4 stars; one submission).

Conditions:
KBG syndrome (KBGS). Also called: ANKRD11-Related KBG Syndrome. Identifiers: Orphanet 2332, MedGen C0220687, MONDO:0007846, OMIM 148050.

Submission:

Labcorp Genetics (formerly Invitae), Labcorp
Classification: Uncertain significance for KBG syndrome. Last evaluated: 2023-09-30. Review status: criteria provided, single submitter. Criteria: Invitae Variant Classification Sherloc (09022015). Collection method: clinical testing. Allele origin: germline.
Comment: This sequence change replaces tyrosine, which is neutral and polar, with histidine, which is basic and polar, at codon 1392 of the ANKRD11 protein (p.Tyr1392His). This variant is not present in population databases (gnomAD no frequency). This variant has not been reported in the literature in individuals affected with ANKRD11-related conditions. ClinVar contains an entry for this variant (Variation ID: 1433893). Advanced modeling of protein sequence and biophysical properties (such as structural, functional, and spatial information, amino acid conservation, physicochemical variation, residue mobility, and thermodynamic stability) performed at Invitae indicates that this missense variant is not expected to disrupt ANKRD11 protein function. In summary, the available evidence is currently insufficient to determine the role of this variant in disease. Therefore, it has been classified as a Variant of Uncertain Significance.